The following is an entry in ClinVar:

NM_004304.5(ALK):c.3168G>A (p.Met1056Ile)

Gene: ALK (ALK receptor tyrosine kinase; minus strand). Cytogenetic location: 2p23.2.
Variant type: single nucleotide variant.
Coding change: c.3168G>A on transcript NM_004304.5 (MANE Select); coding-DNA position 3168, G replaced by A.
Protein change: p.Met1056Ile; replaces methionine 1056 with isoleucine.
Molecular consequence: missense variant.
Genome position (GRCh38, 1-based): chr2:29,225,465, C>T on the plus strand (G>A on the coding strand, the complement: ALK is on the minus strand). VCF-style: chr2-29225465-C-T. GRCh37 (hg19) VCF-style: chr2-29448331-C-T.
Other names: c.3168G>A (NM_004304.4); short protein forms M1056I.
Identifiers: ClinVar variation 1017658 (VCV001017658.9), dbSNP rs1663940304, ClinGen allele CA346466755.

ClinVar aggregate classification (germline): Uncertain significance. Review status: criteria provided, multiple submitters, no conflicts (2 of 4 stars). 2 submissions from 2 submitters: Uncertain significance (2). Last evaluated 2026-01-28.

Conditions:
Hereditary cancer-predisposing syndrome. Also called: Tumor predisposition; Hereditary Cancer Syndrome; Neoplastic Syndromes, Hereditary; Hereditary neoplastic syndrome. Identifiers: Orphanet 140162, MedGen C0027672, MeSH D009386, MONDO:0015356.
Neuroblastoma, susceptibility to, 3. Also called: ALK-Related Neuroblastic Tumor Susceptibility. Identifiers: Orphanet 635, MedGen C2751681, MONDO:0013083, OMIM 613014.

Allele frequency attached by ClinVar (database versions not stated): gnomAD exomes 0.00002.

Submissions (2):

Labcorp Genetics (formerly Invitae), Labcorp
Classification: Uncertain significance for Neuroblastoma, susceptibility to, 3. Last evaluated: 2026-01-28. Review status: criteria provided, single submitter. Criteria: Invitae Variant Classification Sherloc (09022015). Collection method: clinical testing. Allele origin: germline.
Comment: This sequence change replaces methionine, which is neutral and non-polar, with isoleucine, which is neutral and non-polar, at codon 1056 of the ALK protein (p.Met1056Ile). This variant is not present in population databases (gnomAD no frequency). This variant has not been reported in the literature in individuals affected with ALK-related conditions. ClinVar contains an entry for this variant (Variation ID: 1017658). An algorithm developed to predict the effect of missense changes on protein structure and function (PolyPhen-2) suggests that this variant is likely to be tolerated. In summary, the available evidence is currently insufficient to determine the role of this variant in disease. Therefore, it has been classified as a Variant of Uncertain Significance.

Ambry Genetics
Classification: Uncertain significance for Hereditary cancer-predisposing syndrome. Last evaluated: 2024-12-07. Review status: criteria provided, single submitter. Criteria: Ambry Variant Classification Scheme 2023. Collection method: clinical testing. Allele origin: germline.
Comment: The p.M1056I variant (also known as c.3168G>A), located in coding exon 19 of the ALK gene, results from a G to A substitution at nucleotide position 3168. The methionine at codon 1056 is replaced by isoleucine, an amino acid with highly similar properties. This amino acid position is conserved. In addition, the in silico prediction for this alteration is inconclusive. Based on the available evidence, the clinical significance of this variant remains unclear.